The following continues an entry in ClinVar:

NM_000051.4(ATM):c.9022C>T (p.Arg3008Cys)

ClinVar aggregate classification (germline): Likely pathogenic. Likely pathogenic (1). ClinVar aggregate classification (somatic clinical impact): Tier II - Potential.

Submissions 7 to 17 of 23:

Natera, Inc.
Classification: Pathogenic for Ataxia-telangiectasia. Last evaluated: 2025-03-11. Review status: criteria provided, single submitter. Criteria: Natera Variant Classification Schema (03/2026). Collection method: clinical testing. Allele origin: germline. Not counted in ClinVar's aggregate classification.
Comment: The c.9022C>T variant in ATM is a missense variant predicted to cause substitution of arginine to cysteine at amino acid 3008. This variant is rare in the general population with a frequency below the threshold expected for the associated phenotype(s). This variant has been observed in one or more individuals affected with the associated recessive disease, as either homozygous or compound heterozygous with a second variant (PMID: 10817650, 12552566, 26896183, 30549301, 35095854). Functional studies show that this variant may disrupt protein function (PMID: 12552566). A different variant at the same position has been determined to be Pathogenic or Likely Pathogenic. Computational prediction algorithms indicate this variant is likely to affect gene or protein function. Given the available evidence, this variant is classified as Pathogenic.

Color Diagnostics, LLC DBA Color Health
Classification: Pathogenic for Hereditary cancer-predisposing syndrome. Last evaluated: 2024-02-12. Review status: criteria provided, single submitter. Criteria: ACMG Guidelines, 2015. Collection method: clinical testing. Allele origin: germline. Not counted in ClinVar's aggregate classification.
Comment: This missense variant replaces arginine with cysteine at codon 3008 of the ATM protein. Computational prediction is inconclusive regarding the impact of this variant on protein structure and function. Functional studies have reported the variant protein to be defective in ATM kinase activity and cellular response to ionizing radiation exposure (PMID: 12552566, 18573109, 19431188). This variant has been observed in homozygous and compound heterozygous state in multiple individuals affected with ataxia-telangiectasia (PMID: 9872980, 10817650, 12552566, 18573109, 21459046, 21792198). This variant also has been observed in three individuals affected with breast cancer (PMID: 26681312, 30128536) and another individual at high-risk for breast and ovarian cancer (PMID: 26094658). This variant has been identified in 4/251428 chromosomes in the general population by the Genome Aggregation Database (gnomAD). Based on the available evidence, this variant is classified as Pathogenic.

Myriad Genetics, Inc.
Classification: Likely pathogenic for Familial cancer of breast. Last evaluated: 2024-02-06. Review status: criteria provided, single submitter. Criteria: Myriad Autosomal Dominant, Autosomal Recessive and X-Linked Classification Criteria (2023). Collection method: clinical testing. Allele origin: unknown. Not counted in ClinVar's aggregate classification.
Comment: This variant is considered likely pathogenic. Functional studies indicate this variant impacts protein function [PMID: 12552566, 18573109, 23585524]. This variant has been reported in multiple individuals with clinical features of gene-specific disease [PMID: 9872980, 12552566, 22649200].

Fulgent Genetics
Classification: Pathogenic for Familial cancer of breast; Ataxia-telangiectasia syndrome. Last evaluated: 2024-01-06. Review status: criteria provided, single submitter. Criteria: ACMG Guidelines, 2015. Collection method: clinical testing. Allele origin: germline. Not counted in ClinVar's aggregate classification.

Blueprint Genetics
Classification: Pathogenic for ATM-related disorders. Last evaluated: 2023-11-09. Review status: criteria provided, single submitter. Criteria: ACMG Guidelines, 2015. Collection method: clinical testing. Allele origin: germline. Affected: yes. Observed: 3 variant alleles. Not counted in ClinVar's aggregate classification.

Baylor Genetics
Classification: Pathogenic for Familial cancer of breast. Last evaluated: 2023-10-28. Review status: criteria provided, single submitter. Criteria: ACMG Guidelines, 2015. Collection method: clinical testing. Allele origin: unknown. Not counted in ClinVar's aggregate classification.

GeneDx
Classification: Pathogenic. Last evaluated: 2022-09-20. Review status: criteria provided, single submitter. Criteria: GeneDx Variant Classification Process June 2021. Collection method: clinical testing. Allele origin: germline. Affected: yes. Not counted in ClinVar's aggregate classification.
Comment: Published functional studies demonstrate a damaging effect showing loss of ATM kinase activity (Angele et al., 2003; Austen et al., 2008; Barone et al., 2009); Not observed at significant frequency in large population cohorts (gnomAD); In silico analysis supports that this missense variant has a deleterious effect on protein structure/function; Observed in the heterozygous state in individuals with breast or prostate cancer in published literature (Aloraifi et al., 2015; Matejcic et al., 2020; Darst et al., 2021); This variant is associated with the following publications: (PMID: 26354930, 29117359, 28580595, 29038235, 29625052, 19431188, 21792198, 21933854, 15101044, 22529920, 16014569, 23585524, 18573109, 16189143, 10817650, 22649200, 27479817, 27542854, 21459046, 25480502, 9872980, 26681312, 29482223, 28767289, 30549301, 32866655, 23532176, 34687117, 32980694, 32853339, 32832836, 26094658, 26896183, 29922827, 12552566)

3billion
Classification: Pathogenic for Ataxia-telangiectasia syndrome. Last evaluated: 2022-09-01. Review status: criteria provided, single submitter. Criteria: ACMG Guidelines, 2015. Collection method: clinical testing. Allele origin: germline. Affected: yes. Observed: 1 homozygote. Not counted in ClinVar's aggregate classification.
Comment: The variant is observed at an extremely low frequency in the gnomAD v2.1.1 dataset (total allele frequency: 0.002%). While this variant results in missense change, protein truncation variants are a common disease-causing mechanism. Functional studies provide strong evidence of the variant having a damaging effect on the gene or gene product (PMID: 12552566 , 15101044 , 18573109). In silico tool predictions suggest damaging effect of the variant on gene or gene product (REVEL: 0.52; 3Cnet: 0.86). It has been reported to be in trans with a pathogenic variant as either compound heterozygous or homozygous in at least 2 similarly affected unrelated individuals (PMID: 12552566 , 30549301 , 9872980). Different missense changes at the same codon (p.Arg3008His, p.Arg3008Leu, p.Arg3008Ser) have been reported as pathogenic/likely pathogenic with strong evidence (ClinVar ID: VCV000141634 , VCV000806734 , VCV000822905). Therefore, this variant is classified as Pathogenic according to the recommendation of ACMG/AMP guideline.

Victorian Clinical Genetics Services, Murdoch Childrens Research Institute
Classification: Pathogenic for Ataxia-telangiectasia syndrome. Last evaluated: 2022-02-02. Review status: criteria provided, single submitter. Criteria: ACMG Guidelines, 2015. Collection method: clinical testing. Allele origin: germline. Inheritance: Autosomal recessive inheritance. Not counted in ClinVar's aggregate classification.
Comment: Based on the classification scheme VCGS_Germline_v1.3.4, this variant is classified as Pathogenic. Following criteria are met: 0102 - Loss of function is a known mechanism of disease in this gene and is associated with ataxia-telangiectasia (MIM#208900). (I) 0106 - This gene is associated with autosomal recessive disease. Carriers of ATM pathogenic variants are at increased risk of developing cancer (mainly breast cancer) (GeneReviews). (I) 0115 - Variants in this gene are known to have variable expressivity. Variable age of onset and rate of disease progression have been reported for affected individuals within the same family (PMIDs: 20301790, 27884168). (I) 0200 - Variant is predicted to result in a missense amino acid change from arginine to cysteine. (I) 0251 - This variant is heterozygous. (I) 0304 - Variant is present in gnomAD <0.01 for a recessive condition (v2: 4 heterozygotes, 0 homozygotes). (SP) 0501 - Missense variant consistently predicted to be damaging by multiple in silico tools or highly conserved with a major amino acid change. (SP) 0604 - Variant is not located in an established domain, motif, hotspot or informative constraint region. (I) 0801 - This variant has strong previous evidence of pathogenicity in unrelated individuals. It has been reported in multiple homozygotes and compound heterozygotes individuals with ataxia-telangiectasia as well as cancer (ClinVar, PMIDs: 30549301, 9334731, 22649200; 32918381). (SP) 1001 - This variant has strong functional evidence supporting abnormal protein function. Western blot in patients' blood did not detect residual activity (PMID: 22649200). (SP) 1208 - Inheritance information for this variant is not currently available in this individual. (I) Legend: (SP) - Supporting pathogenic, (I) - Information, (SB) - Supporting benign

Institute for Clinical Genetics, University Hospital TU Dresden, University Hospital TU Dresden
Classification: Likely pathogenic. Last evaluated: 2021-11-03. Review status: criteria provided, single submitter. Criteria: ACMG Guidelines, 2015. Collection method: clinical testing. Allele origin: germline. Not counted in ClinVar's aggregate classification.

Sema4
Classification: Pathogenic for Hereditary cancer-predisposing syndrome. Last evaluated: 2020-11-19. Review status: criteria provided, single submitter. Criteria: Sema4 Curation Guidelines. Collection method: curation. Allele origin: germline. Not counted in ClinVar's aggregate classification.
Comment: The ATM c.9022C>T (p.R3008C) variant has been reported as homozygous and compound heterozygous in at least 4 individuals with ataxia telangiectasia (PMID: 9872980, 12552566, 30549301). It has also been reported in heterozygosity in at least 2 individuals with breast cancer (PMID: 26681312, 26094658). Functional studies have shown that this variant alters the kinase activity, radiosensitivity, and protein expression in vitro and in vivo (PMID: 12552566, 19431188, 18573109). This variant was observed in 1/16256 chromosomes in the African population, according to the Genome Aggregation Database (PMID: 27535533). Based on the current evidence available, this variant is interpreted as pathogenic.